The following is an entry in ClinVar:

NM_031885.5(BBS2):c.1759C>T (p.Pro587Ser)

Gene: BBS2 (Bardet-Biedl syndrome 2; minus strand). Cytogenetic location: 16q13.
Variant type: single nucleotide variant.
Coding change: c.1759C>T on transcript NM_031885.5 (MANE Select); coding-DNA position 1759, C replaced by T.
Protein change: p.Pro587Ser; replaces proline 587 with serine.
Molecular consequence: missense variant. On other transcripts: non-coding transcript variant (5).
Genome position (GRCh38, 1-based): chr16:56,497,781, G>A on the plus strand (C>T on the coding strand, the complement: BBS2 is on the minus strand). VCF-style: chr16-56497781-G-A. GRCh37 (hg19) VCF-style: chr16-56531693-G-A.
Other names: c.1759C>T, p.Pro587Ser (NM_001377456.1); short protein forms P587S.
Identifiers: ClinVar variation 837285 (VCV000837285.9), dbSNP rs1288834218, ClinGen allele CA395975855.
Genomic context (GRCh38, chr16:56,497,781, plus strand): 5'-TGCATCTACCGCATTCCCTCACCTTAACTAGCACCTTTCGTAATTCCTCAAAATAGACAG[G>A]AAAATCCGCTTCTACTTGAAGGTCTTCAATAGCAAAAAATGATGCCATTGACTGGATGAT-3'
Protein context (NP_114091.4, residues 577-597): IEDLQVEADF[Pro587Ser]VYFEELRKVL

ClinVar aggregate classification (germline): Uncertain significance. Review status: criteria provided, multiple submitters, no conflicts (2 of 4 stars). 4 submissions from 4 submitters: Uncertain significance (3). 1 of the submissions does not count toward it. Last evaluated 2025-07-28.

Conditions:
Bardet-Biedl syndrome 2 (BBS2). Identifiers: Orphanet 110, MedGen C2936863, MONDO:0014432, OMIM 615981.
BBS2-related disorder. Also called: BBS2-related condition; BBS2-related disorders. Identifiers: MedGen CN239228.
Bardet-Biedl syndrome (BBS). Identifiers: Orphanet 110, MedGen C0752166, MONDO:0015229.

Allele frequency attached by ClinVar (database versions not stated): TOPMed below 0.00001; gnomAD 0.00001; gnomAD exomes 0.00001.
gnomAD v4.1: 18 of 1,613,174 alleles (0.0011%); highest among the groups gnomAD compares: Non-Finnish European, 0.0014%; no homozygotes.

Submissions (4):

PreventionGenetics, part of Exact Sciences
Classification: Uncertain significance for BBS2-related condition. Last evaluated: 2025-07-28. Review status: criteria provided, single submitter. Criteria: ACMG Guidelines, 2015. Collection method: clinical testing. Allele origin: germline.
Comment: The BBS2 c.1759C>T variant is predicted to result in the amino acid substitution p.Pro587Ser. To our knowledge, this variant has not been reported in the literature. This variant is reported in 0.0018% of alleles in individuals of European (Non-Finnish) descent in gnomAD. At this time, the clinical significance of this variant is uncertain due to the absence of conclusive functional and genetic evidence.

Labcorp Genetics (formerly Invitae), Labcorp
Classification: Uncertain significance for Bardet-Biedl syndrome. Last evaluated: 2021-08-26. Review status: criteria provided, single submitter. Criteria: Invitae Variant Classification Sherloc (09022015). Collection method: clinical testing. Allele origin: germline.
Comment: This sequence change replaces proline with serine at codon 587 of the BBS2 protein (p.Pro587Ser). The proline residue is highly conserved and there is a moderate physicochemical difference between proline and serine. This variant is not present in population databases (ExAC no frequency). This variant has not been reported in the literature in individuals affected with BBS2-related conditions. Algorithms developed to predict the effect of missense changes on protein structure and function are either unavailable or do not agree on the potential impact of this missense change (SIFT: "Deleterious"; PolyPhen-2: "Probably Damaging"; Align-GVGD: "Class C0"). In summary, the available evidence is currently insufficient to determine the role of this variant in disease. Therefore, it has been classified as a Variant of Uncertain Significance.

Blueprint Genetics
Classification: Uncertain significance. Last evaluated: 2020-03-11. Review status: criteria provided, single submitter. Criteria: ACMG Guidelines, 2015. Collection method: clinical testing. Allele origin: germline.

Natera, Inc.
Classification: Uncertain significance for Bardet-Biedl syndrome type 2. Last evaluated: 2021-10-19. Review status: no assertion criteria provided. Collection method: clinical testing. Allele origin: germline. Not counted in ClinVar's aggregate classification.